The following is an entry in ClinVar:

NM_004431.5(EPHA2):c.1071C>T (p.Arg357=)

Gene: EPHA2 (EPH receptor A2; minus strand). Cytogenetic location: 1p36.13.
Variant type: single nucleotide variant.
Coding change: c.1071C>T on transcript NM_004431.5 (MANE Select); coding-DNA position 1071, C replaced by T.
Protein change: p.Arg357=; no amino-acid change (arginine 357 retained).
Molecular consequence: synonymous variant.
Genome position (GRCh38, 1-based): chr1:16,138,094, G>A on the plus strand (C>T on the coding strand, the complement: EPHA2 is on the minus strand). VCF-style: chr1-16138094-G-A. GRCh37 (hg19) VCF-style: chr1-16464589-G-A.
Other names: c.909C>T, p.Arg303= (NM_001329090.2); c.1071C>T (NM_004431.4).
Identifiers: ClinVar variation 875793 (VCV000875793.5), dbSNP rs769561791, ClinGen allele CA625325.

ClinVar aggregate classification (germline): Likely benign. Review status: criteria provided, multiple submitters, no conflicts (2 of 4 stars). 2 submissions from 2 submitters: Likely benign (2). Last evaluated 2025-12-22.

Conditions:
EPHA2-related disorder. Also called: EPHA2-related condition.
Cataract 6 multiple types. Also called: CATARACT, AGE-RELATED CORTICAL, 2; CATARACT 6, POSTERIOR POLAR; CATARACT 6, CONGENITAL TOTAL. Identifiers: Orphanet 91492, MedGen C1861825, MONDO:0007288, OMIM 116600.

Allele frequency attached by ClinVar (database versions not stated): ExAC 0.00004; gnomAD 0.00004; TOPMed 0.00005; gnomAD exomes 0.00006 and 0.00008.
gnomAD v4.1: 126 of 1,610,418 alleles (0.0078%); highest among the groups gnomAD compares: Non-Finnish European, 0.0099%; no homozygotes.

Submissions (2):

PreventionGenetics, part of Exact Sciences
Classification: Likely benign for EPHA2-related condition. Last evaluated: 2025-12-22. Review status: criteria provided, single submitter. Criteria: ACMG Guidelines, 2015. Collection method: clinical testing. Allele origin: germline.
Comment: This variant is classified as likely benign based on ACMG/AMP sequence variant interpretation guidelines (Richards et al. 2015 PMID: 25741868, with internal and published modifications).

Illumina Laboratory Services, Illumina
Classification: Likely benign for Cataract 6 multiple types. Last evaluated: 2018-01-13. Review status: criteria provided, single submitter. Criteria: ICSL Variant Classification Criteria 13 December 2019. Collection method: clinical testing. Allele origin: germline.
Comment: This variant was observed in the ICSL laboratory as part of a predisposition screen in an ostensibly healthy population. It had not been previously curated by ICSL or reported in the Human Gene Mutation Database (HGMD: prior to June 1st, 2018), and was therefore a candidate for classification through an automated scoring system. Utilizing variant allele frequency, disease prevalence and penetrance estimates, and inheritance mode, an automated score was calculated to assess if this variant is too frequent to cause the disease. Based on the score and internal cut-off values, a variant classified as likely benign is not then subjected to further curation. The score for this variant resulted in a classification of likely benign for this disease.